The following is an entry in ClinVar:

NM_000238.4(KCNH2):c.267C>T (p.Ala89=)

Gene: KCNH2 (potassium voltage-gated channel subfamily H member 2; minus strand). Cytogenetic location: 7q36.1.
Variant type: single nucleotide variant.
Coding change: c.267C>T on transcript NM_000238.4 (MANE Select); coding-DNA position 267, C replaced by T.
Protein change: p.Ala89=; no amino-acid change (alanine 89 retained).
Molecular consequence: synonymous variant. On other transcripts: non-coding transcript variant (1).
Genome position (GRCh38, 1-based): chr7:150,974,751, G>A on the plus strand (C>T on the coding strand, the complement: KCNH2 is on the minus strand). VCF-style: chr7-150974751-G-A. GRCh37 (hg19) VCF-style: chr7-150671839-G-A.
Other names: c.90C>T, p.Ala30= (NM_001406755.1); c.267C>T, p.Ala89= (NM_172056.3).
Identifiers: ClinVar variation 1794663 (VCV001794663.9), dbSNP rs771100245, ClinGen allele CA458871739.

ClinVar aggregate classification (germline): Likely benign. Review status: criteria provided, multiple submitters, no conflicts (2 of 4 stars). 4 submissions from 4 submitters: Likely benign (4). Last evaluated 2024-08-13.

Conditions:
Cardiac arrhythmia. Also called: Arrhythmia; Cardiac rhythm disease. Identifiers: MedGen C0003811, MONDO:0007263, HP:0011675.
Cardiovascular phenotype. Identifiers: MedGen CN230736.
Long QT syndrome (LQTS). Identifiers: MedGen C0023976, MeSH D008133, MONDO:0002442. Disease mechanism: loss of function. Inheritance: Various modes of inheritance.

gnomAD v4.1: 2 of 1,605,908 alleles (0.00012%); highest among the groups gnomAD compares: South Asian, 0.0011%; no homozygotes.

Submissions (4):

All of Us Research Program, National Institutes of Health
Classification: Likely benign for Long QT syndrome. Last evaluated: 2024-08-13. Review status: criteria provided, single submitter. Criteria: ACMG Guidelines, 2015. Collection method: clinical testing. Allele origin: germline. Inheritance: Autosomal dominant inheritance. Observed: 2 variant alleles, 2 heterozygotes.
Comment: This study involves interpretation of variants in research participants for the purpose of population health screening. Participant phenotype was not available at the time of variant classification. Additional details can be found in publication PMID: 35346344, PMCID: PMC8962531

Color Diagnostics, LLC DBA Color Health
Classification: Likely benign for Cardiac arrhythmia. Last evaluated: 2022-11-06. Review status: criteria provided, single submitter. Criteria: ACMG Guidelines, 2015. Collection method: clinical testing. Allele origin: germline.

Labcorp Genetics (formerly Invitae), Labcorp
Classification: Likely benign for Long QT syndrome. Last evaluated: 2022-01-14. Review status: criteria provided, single submitter. Criteria: Invitae Variant Classification Sherloc (09022015). Collection method: clinical testing. Allele origin: germline.

Ambry Genetics
Classification: Likely benign for Cardiovascular phenotype. Last evaluated: 2019-11-11. Review status: criteria provided, single submitter. Criteria: Ambry Variant Classification Scheme 2023. Collection method: clinical testing. Allele origin: germline.